The following is an entry in ClinVar:

ClinVar aggregate classification (germline): Pathogenic (1 of 4 stars; one submission).

Submission:

Labcorp Genetics (formerly Invitae), Labcorp
Classification: Pathogenic. Last evaluated: 2023-05-22. Review status: criteria provided, single submitter. Criteria: Invitae Variant Classification Sherloc (09022015). Collection method: clinical testing. Allele origin: germline.
Comment: For these reasons, this variant has been classified as Pathogenic. Algorithms developed to predict the effect of sequence changes on RNA splicing suggest that this variant may create or strengthen a splice site. ClinVar contains an entry for this variant (Variation ID: 1931408). This variant has not been reported in the literature in individuals affected with SLC12A3-related conditions. This variant is not present in population databases (gnomAD no frequency). This sequence change creates a premature translational stop signal (p.Tyr540Leufs*71) in the SLC12A3 gene. It is expected to result in an absent or disrupted protein product. Loss-of-function variants in SLC12A3 are known to be pathogenic (PMID: 20848653, 22009145, 25841442).

Literature cited by the submitters: PubMed 20848653; PubMed 22009145; PubMed 25841442.

NM_001126108.2(SLC12A3):c.1619del (p.Tyr540fs)

Gene: SLC12A3 (solute carrier family 12 member 3; plus strand). Cytogenetic location: 16q13.
Variant type: Deletion.
Coding change: c.1619del on transcript NM_001126108.2 (MANE Select); coding-DNA position 1619, one base deleted (A; older notation c.1619delA).
Protein change: p.Tyr540fs; shifts the reading frame from tyrosine 540.
Molecular consequence: frameshift variant.
Genome position (GRCh38, 1-based): chr16:56,882,447, A deleted. VCF-style (leftmost placement, unchanged base first): chr16-56882446-TA-T. GRCh37 (hg19) VCF-style: chr16-56916358-TA-T.
Other names: c.1619del, p.Tyr540fs (NM_000339.3); c.1616del, p.Tyr539fs (NM_001126107.2); short protein forms Y540fs, Y539fs.
Identifiers: ClinVar variation 1931408 (VCV001931408.5), dbSNP rs2055253871, ClinGen allele CA2224355397.